The following is an entry in ClinVar:

ClinVar aggregate classification (germline): Uncertain significance. Review status: criteria provided, multiple submitters, no conflicts (2 of 4 stars). 2 submissions from 2 submitters: Uncertain significance (2). Last evaluated 2023-07-12.

gnomAD v4.1: 20 of 1,613,436 alleles (0.0012%); highest among the groups gnomAD compares: African/African-American, 0.025%; no homozygotes.

Submissions (2):

Mayo Clinic Laboratories, Mayo Clinic
Classification: Uncertain significance. Last evaluated: 2023-07-12. Review status: criteria provided, single submitter. Criteria: ACMG Guidelines, 2015. Collection method: clinical testing. Allele origin: germline. Observed: 1 variant allele.
Comment: BP4

Labcorp Genetics (formerly Invitae), Labcorp
Classification: Uncertain significance. Last evaluated: 2022-07-27. Review status: criteria provided, single submitter. Criteria: Invitae Variant Classification Sherloc (09022015). Collection method: clinical testing. Allele origin: germline.
Comment: This sequence change replaces methionine, which is neutral and non-polar, with arginine, which is basic and polar, at codon 264 of the EFL1 protein (p.Met264Arg). This variant is present in population databases (no rsID available, gnomAD 0.02%). This variant has not been reported in the literature in individuals affected with EFL1-related conditions. Algorithms developed to predict the effect of missense changes on protein structure and function (SIFT, PolyPhen-2, Align-GVGD) all suggest that this variant is likely to be tolerated. In summary, the available evidence is currently insufficient to determine the role of this variant in disease. Therefore, it has been classified as a Variant of Uncertain Significance.

NM_024580.6(EFL1):c.791T>G (p.Met264Arg)

Gene: EFL1 (elongation factor like GTPase 1; minus strand). Cytogenetic location: 15q25.2.
Variant type: single nucleotide variant.
Coding change: c.791T>G on transcript NM_024580.6 (MANE Select); coding-DNA position 791, T replaced by G.
Protein change: p.Met264Arg; replaces methionine 264 with arginine.
Molecular consequence: missense variant. On other transcripts: initiator codon variant (1), non-coding transcript variant (1).
Genome position (GRCh38, 1-based): chr15:82,230,912, A>C on the plus strand (T>G on the coding strand, the complement: EFL1 is on the minus strand). VCF-style: chr15-82230912-A-C. GRCh37 (hg19) VCF-style: chr15-82523253-A-C.
Other names: p.Met264Arg; c.638T>G, p.Met213Arg (NM_001040610.3); c.2T>G, p.Met1Arg (NM_001322844.2); c.791T>G, p.Met264Arg (NM_001322845.2); short protein forms M1R, M213R, M264R.
Identifiers: ClinVar variation 1933104 (VCV001933104.4), dbSNP rs1333524078, ClinGen allele CA393278815.